The following is an entry in ClinVar:

ClinVar aggregate classification (germline): Uncertain significance (1 of 4 stars; one submission).

Allele frequency attached by ClinVar (database versions not stated): gnomAD exomes below 0.00001.
gnomAD v4.1: 1 of 1,610,928 alleles (0.000062%); highest among the groups gnomAD compares: Non-Finnish European, 0.000085%; no homozygotes.

Submission:

Labcorp Genetics (formerly Invitae), Labcorp
Classification: Uncertain significance. Last evaluated: 2022-07-03. Review status: criteria provided, single submitter. Criteria: Invitae Variant Classification Sherloc (09022015). Collection method: clinical testing. Allele origin: germline.
Comment: In summary, the available evidence is currently insufficient to determine the role of this variant in disease. Therefore, it has been classified as a Variant of Uncertain Significance. Algorithms developed to predict the effect of missense changes on protein structure and function are either unavailable or do not agree on the potential impact of this missense change (SIFT: "Tolerated"; PolyPhen-2: "Probably Damaging"; Align-GVGD: "Class C0"). This variant has not been reported in the literature in individuals affected with HPS5-related conditions. This variant is not present in population databases (gnomAD no frequency). This sequence change replaces glutamine, which is neutral and polar, with arginine, which is basic and polar, at codon 462 of the HPS5 protein (p.Gln462Arg).

NM_181507.2(HPS5):c.1385A>G (p.Gln462Arg)

Gene: HPS5 (HPS5 biogenesis of lysosomal organelles complex 2 subunit 2; minus strand). Cytogenetic location: 11p15.1.
Variant type: single nucleotide variant.
Coding change: c.1385A>G on transcript NM_181507.2 (MANE Select); coding-DNA position 1385, A replaced by G.
Protein change: p.Gln462Arg; replaces glutamine 462 with arginine.
Molecular consequence: missense variant.
Genome position (GRCh38, 1-based): chr11:18,296,923, T>C on the plus strand (A>G on the coding strand, the complement: HPS5 is on the minus strand). VCF-style: chr11-18296923-T-C. GRCh37 (hg19) VCF-style: chr11-18318470-T-C.
Other names: c.1043A>G, p.Gln348Arg (NM_007216.4, NM_181508.2); short protein forms Q348R, Q462R.
Identifiers: ClinVar variation 2181921 (VCV002181921.2), dbSNP rs2494740166, ClinGen allele CA379495573.